The following is an entry in ClinVar:

NM_001113378.2(FANCI):c.3391G>C (p.Glu1131Gln)

Gene: FANCI (FA complementation group I; plus strand). Cytogenetic location: 15q26.1.
Variant type: single nucleotide variant.
Coding change: c.3391G>C on transcript NM_001113378.2 (MANE Select); coding-DNA position 3391, G replaced by C.
Protein change: p.Glu1131Gln; replaces glutamic acid 1131 with glutamine.
Molecular consequence: missense variant.
Genome position (GRCh38, 1-based): chr15:89,306,048, G>C. VCF-style: chr15-89306048-G-C. GRCh37 (hg19) VCF-style: chr15-89849279-G-C.
Other names: c.3112G>C, p.Glu1038Gln (NM_001376910.1); c.3391G>C, p.Glu1131Gln (NM_001376911.1); c.3211G>C, p.Glu1071Gln (NM_018193.3); short protein forms E1038Q, E1131Q, E1071Q.
Identifiers: ClinVar variation 2738193 (VCV002738193.3), dbSNP rs996499764, ClinGen allele CA274525972.

ClinVar aggregate classification (germline): Uncertain significance (1 of 4 stars; one submission).

Conditions:
Fanconi anemia (FA). Also called: Fanconi's anemia. Identifiers: Orphanet 84, MedGen C0015625, MeSH D005199, MONDO:0019391.

Allele frequency attached by ClinVar (database versions not stated): TOPMed 0.00001.
gnomAD v4.1: 1 of 1,614,150 alleles (0.000062%); no homozygotes.

Submission:

Labcorp Genetics (formerly Invitae), Labcorp
Classification: Uncertain significance for Fanconi anemia. Last evaluated: 2023-09-22. Review status: criteria provided, single submitter. Criteria: Invitae Variant Classification Sherloc (09022015). Collection method: clinical testing. Allele origin: germline.
Comment: This sequence change replaces glutamic acid, which is acidic and polar, with glutamine, which is neutral and polar, at codon 1131 of the FANCI protein (p.Glu1131Gln). This variant is not present in population databases (gnomAD no frequency). This variant has not been reported in the literature in individuals affected with FANCI-related conditions. An algorithm developed to predict the effect of missense changes on protein structure and function (PolyPhen-2) suggests that this variant is likely to be disruptive. In summary, the available evidence is currently insufficient to determine the role of this variant in disease. Therefore, it has been classified as a Variant of Uncertain Significance.